The following is an entry in ClinVar:

ClinVar aggregate classification (germline): Uncertain significance (1 of 4 stars; one submission).

Conditions:
X-linked immunodeficiency with magnesium defect, Epstein-Barr virus infection and neoplasia. Identifiers: Orphanet 317476, MedGen C3275445, MONDO:0010455, OMIM 300853.

Submission:

Labcorp Genetics (formerly Invitae), Labcorp
Classification: Uncertain significance for X-linked immunodeficiency with magnesium defect, Epstein-Barr virus infection and neoplasia. Last evaluated: 2023-09-17. Review status: criteria provided, single submitter. Criteria: Invitae Variant Classification Sherloc (09022015). Collection method: clinical testing. Allele origin: germline.
Comment: In summary, the available evidence is currently insufficient to determine the role of this variant in disease. Therefore, it has been classified as a Variant of Uncertain Significance. Advanced modeling of protein sequence and biophysical properties (such as structural, functional, and spatial information, amino acid conservation, physicochemical variation, residue mobility, and thermodynamic stability) performed at Invitae indicates that this missense variant is not expected to disrupt MAGT1 protein function. This variant has not been reported in the literature in individuals affected with MAGT1-related conditions. This variant is not present in population databases (gnomAD no frequency). This sequence change replaces isoleucine, which is neutral and non-polar, with threonine, which is neutral and polar, at codon 107 of the MAGT1 protein (p.Ile107Thr).

NM_001367916.1(MAGT1):c.224T>C (p.Ile75Thr)

Gene: MAGT1 (magnesium transporter 1; minus strand). Cytogenetic location: Xq21.1.
Variant type: single nucleotide variant.
Coding change: c.224T>C on transcript NM_001367916.1 (MANE Select); coding-DNA position 224, T replaced by C.
Protein change: p.Ile75Thr; replaces isoleucine 75 with threonine.
Molecular consequence: missense variant.
Genome position (GRCh38, 1-based): chrX:77,875,476, A>G on the plus strand (T>C on the coding strand, the complement: MAGT1 is on the minus strand). VCF-style: chrX-77875476-A-G. GRCh37 (hg19) VCF-style: chrX-77130973-A-G.
Other names: c.320T>C, p.Ile107Thr (NM_032121.5); short protein forms I107T, I75T.
Identifiers: ClinVar variation 2964866 (VCV002964866.3), dbSNP rs2522019638, ClinGen allele CA413711900.